The following is an entry in ClinVar:

NM_002465.4(MYBPC1):c.2271G>A (p.Thr757=)

Gene: MYBPC1 (myosin binding protein C1; plus strand). Cytogenetic location: 12q23.2.
Variant type: single nucleotide variant.
Coding change: c.2271G>A on transcript NM_002465.4 (MANE Select); coding-DNA position 2271, G replaced by A.
Protein change: p.Thr757=; no amino-acid change (threonine 757 retained).
Molecular consequence: synonymous variant.
Genome position (GRCh38, 1-based): chr12:101,663,475, G>A. VCF-style: chr12-101663475-G-A. GRCh37 (hg19) VCF-style: chr12-102057253-G-A.
Other names: c.2196G>A, p.Thr732= (NM_001254718.3, NM_001254719.3, NM_206820.4 and 1 more transcripts); c.2160G>A, p.Thr720= (NM_001254720.3); c.2139G>A, p.Thr713= (NM_001254721.3, NM_001404676.1, NM_001404678.1); c.2118G>A, p.Thr706= (NM_001254722.3, NM_001404680.1); c.2157G>A, p.Thr719= (NM_001254723.3); c.2271G>A, p.Thr757= (NM_001404675.1, NM_206819.4); c.2061G>A, p.Thr687= (NM_001404677.1, NM_001404679.1, NM_001404681.1).
Identifiers: ClinVar variation 880936 (VCV000880936.6), dbSNP rs764196097, ClinGen allele CA6745011.

ClinVar aggregate classification (germline): Benign (1 of 4 stars; one submission).

Conditions:
Arthrogryposis, distal, type 1B. Identifiers: Orphanet 1146, MedGen C3280526, MONDO:0013698, OMIM 614335.

Allele frequency attached by ClinVar (database versions not stated): TOPMed below 0.00001; gnomAD exomes 0.00003 and 0.00007; ExAC 0.00007.
gnomAD v4.1: 40 of 1,613,858 alleles (0.0025%); highest among the groups gnomAD compares: East Asian, 0.078%; no homozygotes.

Submission:

Illumina Laboratory Services, Illumina
Classification: Benign for Arthrogryposis, distal, type 1B. Last evaluated: 2018-01-12. Review status: criteria provided, single submitter. Criteria: ICSL Variant Classification Criteria 13 December 2019. Collection method: clinical testing. Allele origin: germline.
Comment: This variant was observed in the ICSL laboratory as part of a predisposition screen in an ostensibly healthy population. It had not been previously curated by ICSL or reported in the Human Gene Mutation Database (HGMD: prior to June 1st, 2018), and was therefore a candidate for classification through an automated scoring system. Utilizing variant allele frequency, disease prevalence and penetrance estimates, and inheritance mode, an automated score was calculated to assess if this variant is too frequent to cause the disease. Based on the score and internal cut-off values, a variant classified as benign is not then subjected to further curation. The score for this variant resulted in a classification of benign for this disease.